The following is an entry in ClinVar:

NM_145698.5(ACBD5):c.881G>A (p.Ser294Asn)

Gene: ACBD5 (acyl-CoA binding domain containing 5; minus strand). Cytogenetic location: 10p12.1.
Variant type: single nucleotide variant.
Coding change: c.881G>A on transcript NM_145698.5 (MANE Select); coding-DNA position 881, G replaced by A.
Protein change: p.Ser294Asn; replaces serine 294 with asparagine.
Molecular consequence: missense variant.
Genome position (GRCh38, 1-based): chr10:27,215,590, C>T on the plus strand (G>A on the coding strand, the complement: ACBD5 is on the minus strand). VCF-style: chr10-27215590-C-T. GRCh37 (hg19) VCF-style: chr10-27504519-C-T.
Other names: c.776G>A, p.Ser259Asn (NM_001042473.4, NM_001352577.2, NM_001352578.2 and 1 more transcripts); c.875G>A, p.Ser292Asn (NM_001271512.3); c.554G>A, p.Ser185Asn (NM_001301251.2, NM_001301252.2, NM_001301253.2 and 2 more transcripts); c.350G>A, p.Ser117Asn (NM_001301254.2); c.935G>A, p.Ser312Asn (NM_001352568.1); c.914G>A, p.Ser305Asn (NM_001352569.1); c.881G>A, p.Ser294Asn (NM_001352570.1); c.908G>A, p.Ser303Asn (NM_001352571.1); and 10 more; short protein forms S191N, S196N, S259N, S303N, S117N, S237N, S292N, S294N.
Identifiers: ClinVar variation 1463861 (VCV001463861.6), dbSNP rs776218653, ClinGen allele CA5450795.

ClinVar aggregate classification (germline): Uncertain significance (1 of 4 stars; one submission).

Allele frequency attached by ClinVar (database versions not stated): TOPMed 0.00001.
gnomAD v4.1: 5 of 1,613,618 alleles (0.00031%); highest among the groups gnomAD compares: East Asian, 0.0045%; 1 homozygote.

Submission:

Labcorp Genetics (formerly Invitae), Labcorp
Classification: Uncertain significance. Last evaluated: 2025-11-24. Review status: criteria provided, single submitter. Criteria: Invitae Variant Classification Sherloc (09022015). Collection method: clinical testing. Allele origin: germline.
Comment: This sequence change replaces serine, which is neutral and polar, with asparagine, which is neutral and polar, at codon 294 of the ACBD5 protein (p.Ser294Asn). This variant is present in population databases (rs776218653, gnomAD 0.006%). This variant has not been reported in the literature in individuals affected with ACBD5-related conditions. ClinVar contains an entry for this variant (Variation ID: 1463861). Invitae Evidence Modeling of protein sequence and biophysical properties (such as structural, functional, and spatial information, amino acid conservation, physicochemical variation, residue mobility, and thermodynamic stability) indicates that this missense variant is not expected to disrupt ACBD5 protein function with a negative predictive value of 80%. In summary, the available evidence is currently insufficient to determine the role of this variant in disease. Therefore, it has been classified as a Variant of Uncertain Significance.